The following is an entry in ClinVar:

NM_015466.4(PTPN23):c.1411C>A (p.Gln471Lys)

Gene: PTPN23 (protein tyrosine phosphatase non-receptor type 23; plus strand). Cytogenetic location: 3p21.31.
Variant type: single nucleotide variant.
Coding change: c.1411C>A on transcript NM_015466.4 (MANE Select); coding-DNA position 1411, C replaced by A.
Protein change: p.Gln471Lys; replaces glutamine 471 with lysine.
Molecular consequence: missense variant.
Genome position (GRCh38, 1-based): chr3:47,408,856, C>A. VCF-style: chr3-47408856-C-A. GRCh37 (hg19) VCF-style: chr3-47450346-C-A.
Other names: c.1033C>A, p.Gln345Lys (NM_001304482.2); short protein forms Q471K, Q345K.
Identifiers: ClinVar variation 2100972 (VCV002100972.4), dbSNP rs2546246339, ClinGen allele CA352553642.

ClinVar aggregate classification (germline): Uncertain significance (1 of 4 stars; one submission).

Allele frequency attached by ClinVar (database versions not stated): gnomAD exomes below 0.00001.

Submission:

Labcorp Genetics (formerly Invitae), Labcorp
Classification: Uncertain significance. Last evaluated: 2023-08-30. Review status: criteria provided, single submitter. Criteria: Invitae Variant Classification Sherloc (09022015). Collection method: clinical testing. Allele origin: germline.
Comment: In summary, the available evidence is currently insufficient to determine the role of this variant in disease. Therefore, it has been classified as a Variant of Uncertain Significance. Experimental studies and prediction algorithms are not available or were not evaluated, and the functional significance of this variant is currently unknown. ClinVar contains an entry for this variant (Variation ID: 2100972). This variant has not been reported in the literature in individuals affected with PTPN23-related conditions. This variant is not present in population databases (gnomAD no frequency). This sequence change replaces glutamine, which is neutral and polar, with lysine, which is basic and polar, at codon 471 of the PTPN23 protein (p.Gln471Lys).